The following is an entry in ClinVar:

ClinVar aggregate classification (germline): Uncertain significance (1 of 4 stars; one submission).

Conditions:
Perlman syndrome (PRLMNS). Identifiers: Orphanet 2849, MedGen C0796113, MONDO:0009965, OMIM 267000.

Allele frequency attached by ClinVar (database versions not stated): gnomAD exomes below 0.00001.
gnomAD v4.1: 1 of 1,614,202 alleles (0.000062%); highest among the groups gnomAD compares: East Asian, 0.0022%; no homozygotes.

Submission:

Labcorp Genetics (formerly Invitae), Labcorp
Classification: Uncertain significance for Perlman syndrome. Last evaluated: 2020-07-20. Review status: criteria provided, single submitter. Criteria: Invitae Variant Classification Sherloc (09022015). Collection method: clinical testing. Allele origin: germline.
Comment: In summary, the available evidence is currently insufficient to determine the role of this variant in disease. Therefore, it has been classified as a Variant of Uncertain Significance. Algorithms developed to predict the effect of missense changes on protein structure and function are either unavailable or do not agree on the potential impact of this missense change (SIFT: "Deleterious"; PolyPhen-2: "Probably Damaging"; Align-GVGD: "Class C0"). This variant has not been reported in the literature in individuals with DIS3L2-related conditions. This variant is not present in population databases (ExAC no frequency). This sequence change replaces isoleucine with valine at codon 486 of the DIS3L2 protein (p.Ile486Val). The isoleucine residue is highly conserved and there is a small physicochemical difference between isoleucine and valine.

NM_152383.5(DIS3L2):c.1456A>G (p.Ile486Val)

Gene: DIS3L2 (DIS3 like 3'-5' exoribonuclease 2; plus strand). Cytogenetic location: 2q37.1.
Variant type: single nucleotide variant.
Coding change: c.1456A>G on transcript NM_152383.5 (MANE Select); coding-DNA position 1456, A replaced by G.
Protein change: p.Ile486Val; replaces isoleucine 486 with valine.
Molecular consequence: missense variant. On other transcripts: non-coding transcript variant (2).
Genome position (GRCh38, 1-based): chr2:232,263,237, A>G. VCF-style: chr2-232263237-A-G. GRCh37 (hg19) VCF-style: chr2-233127947-A-G.
Other names: c.1456A>G, p.Ile486Val (NM_001257281.2); short protein forms I486V.
Identifiers: ClinVar variation 1025012 (VCV001025012.8), dbSNP rs1693763138, ClinGen allele CA350975207.